The following is an entry in ClinVar:

NM_001369369.1(FOXN1):c.792del (p.His265fs)

Gene: FOXN1 (forkhead box N1; plus strand). Cytogenetic location: 17q11.2.
Variant type: Deletion.
Coding change: c.792del on transcript NM_001369369.1 (MANE Select); coding-DNA position 792, one base deleted (G; older notation c.792delG).
Protein change: p.His265fs; shifts the reading frame from histidine 265.
Molecular consequence: frameshift variant.
Genome position (GRCh38, 1-based): chr17:28,529,186, G deleted; the last of 3 consecutive G bases (chr17:28,529,184-28,529,186); deleting any one gives the same sequence. VCF-style (leftmost placement, unchanged base first): chr17-28529183-TG-T. GRCh37 (hg19) VCF-style: chr17-26856201-TG-T.
Other names: c.792del, p.His265fs (NM_003593.3); short protein forms H265fs.
Identifiers: ClinVar variation 4850816 (VCV004850816.1).

ClinVar aggregate classification (germline): Likely pathogenic (1 of 4 stars; one submission).

Conditions:
T-cell lymphopenia, infantile, with or without nail dystrophy, autosomal dominant. Identifiers: Orphanet 676039, MedGen C5394133, MONDO:0032928, OMIM 618806.

Submission:

Variantyx, Inc.
Classification: Likely pathogenic for T-cell lymphopenia, infantile, with or without nail dystrophy, autosomal dominant. Last evaluated: 2025-05-13. Review status: criteria provided, single submitter. Criteria: Variantyx Assertion Criteria 2022. Collection method: clinical testing. Allele origin: germline. Inheritance: Autosomal dominant inheritance. Affected: yes.
Comment: This is a frameshift variant in the FOXN1 gene (OMIM: 600838). Pathogenic variants in this gene have been associated with autosomal dominant infantile T-cell lymphopenia with or without nail dystrophy. This variant introduces a premature termination codon in exon 5 out of 9 and is expected to result in loss of function, which is a known disease mechanism for FOXN1 in this disorder (PMID:31447097) (PVS1). This variant is absent from control populations (PM2). Based on the current evidence, this variant is classified as likely pathogenic for autosomal dominant infantile T-cell lymphopenia with or without nail dystrophy.

Literature cited by the submitters: PubMed 31447097.